The following is an entry in ClinVar:

ClinVar aggregate classification (germline): Uncertain significance. Review status: criteria provided, multiple submitters, no conflicts (2 of 4 stars). 2 submissions from 2 submitters: Uncertain significance (2). Last evaluated 2024-12-31.

Conditions:
TNFRSF13B-related disorder. Also called: TNFRSF13B-related condition.

gnomAD v4.1: 28 of 1,613,972 alleles (0.0017%); highest among the groups gnomAD compares: Non-Finnish European, 0.0018%; no homozygotes.

Submissions (2):

PreventionGenetics, part of Exact Sciences
Classification: Uncertain significance for TNFRSF13B-related condition. Last evaluated: 2024-12-31. Review status: criteria provided, single submitter. Criteria: ACMG Guidelines, 2015. Collection method: clinical testing. Allele origin: germline.
Comment: The TNFRSF13B c.520G>A variant is predicted to result in the amino acid substitution p.Val174Ile. To our knowledge, this variant has not been reported in the literature. This variant is reported in 0.00088% of alleles in individuals of European (Non-Finnish) descent in gnomAD. At this time, the clinical significance of this variant is uncertain due to the absence of conclusive functional and genetic evidence.

Blueprint Genetics
Classification: Uncertain significance. Last evaluated: 2024-06-04. Review status: criteria provided, single submitter. Criteria: ACMG Guidelines, 2015. Collection method: clinical testing. Allele origin: germline.

NM_012452.3(TNFRSF13B):c.520G>A (p.Val174Ile)

Gene: TNFRSF13B (TNF receptor superfamily member 13B; minus strand). Cytogenetic location: 17p11.2.
Variant type: single nucleotide variant.
Coding change: c.520G>A on transcript NM_012452.3 (MANE Select); coding-DNA position 520, G replaced by A.
Protein change: p.Val174Ile; replaces valine 174 with isoleucine.
Molecular consequence: missense variant.
Genome position (GRCh38, 1-based): chr17:16,940,437, C>T on the plus strand (G>A on the coding strand, the complement: TNFRSF13B is on the minus strand). VCF-style: chr17-16940437-C-T. GRCh37 (hg19) VCF-style: chr17-16843751-C-T.
Other names: short protein forms V174I.
Identifiers: ClinVar variation 4934082 (VCV004934082.2).
Genomic context (GRCh38, chr17:16,940,437, plus strand): 5'-AGCAGGGATCCCCCCTCTTCTTGAGGAAGCAGGCCACCGCCACCAGGAAGCAGCAGAGGA[C>T]GGCACACAGGCAGAGCCCCAGCGTGCTGTAGACCAGGGCCACCTGATCTGCACTCAGCTT-3'
Protein context (NP_036584.1, residues 164-184): YSTLGLCLCA[Val174Ile]LCCFLVAVAC